The following is an entry in ClinVar:

NM_017947.4(MOCOS):c.891G>A (p.Ala297=)

Gene: MOCOS (molybdenum cofactor sulfurase; plus strand). Cytogenetic location: 18q12.2.
Variant type: single nucleotide variant.
Coding change: c.891G>A on transcript NM_017947.4 (MANE Select); coding-DNA position 891, G replaced by A.
Protein change: p.Ala297=; no amino-acid change (alanine 297 retained).
Molecular consequence: synonymous variant.
Genome position (GRCh38, 1-based): chr18:36,200,274, G>A. VCF-style: chr18-36200274-G-A. GRCh37 (hg19) VCF-style: chr18-33780237-G-A.
Other names: c.891G>A (NM_017947.2).
Identifiers: ClinVar variation 1125909 (VCV001125909.12), dbSNP rs368463866, ClinGen allele CA8940535.

ClinVar aggregate classification (germline): Likely benign. Review status: criteria provided, multiple submitters, no conflicts (2 of 4 stars). 3 submissions from 3 submitters: Likely benign (2). 1 of the submissions does not count toward it. Last evaluated 2024-03-18.

Conditions:
MOCOS-related disorder. Also called: MOCOS-related condition.
Xanthinuria type II. Also called: Xanthine dehydrogenase and aldehyde oxidase combined deficiency of; XDH and AOX dual deficiency. Identifiers: Orphanet 3467, Orphanet 93602, MedGen C1863688, MONDO:0011346, OMIM 603592.

Allele frequency attached by ClinVar (database versions not stated): ExAC 0.00006; gnomAD exomes 0.00006; TOPMed 0.00012; ESP Exome Variant Server 0.00015; gnomAD 0.00016.
gnomAD v4.1: 222 of 1,614,024 alleles (0.014%); highest among the groups gnomAD compares: Non-Finnish European, 0.017%; no homozygotes.

Submissions (3):

Labcorp Genetics (formerly Invitae), Labcorp
Classification: Likely benign for Xanthinuria type II. Last evaluated: 2024-03-18. Review status: criteria provided, single submitter. Criteria: Invitae Variant Classification Sherloc (09022015). Collection method: clinical testing. Allele origin: germline.

Fulgent Genetics
Classification: Likely benign for Xanthinuria type II. Last evaluated: 2021-08-05. Review status: criteria provided, single submitter. Criteria: ACMG Guidelines, 2015. Collection method: clinical testing. Allele origin: unknown.

PreventionGenetics, part of Exact Sciences
Classification: Likely benign for MOCOS-related condition. Last evaluated: 2019-09-17. Review status: no assertion criteria provided. Collection method: clinical testing. Allele origin: germline. Not counted in ClinVar's aggregate classification.
Comment: This variant is classified as likely benign based on ACMG/AMP sequence variant interpretation guidelines (Richards et al. 2015 PMID: 25741868, with internal and published modifications).